The following is an entry in ClinVar:

ClinVar aggregate classification (germline): Uncertain significance (1 of 4 stars; one submission).

Conditions:
Brown-Vialetto-van Laere syndrome 2. Also called: Riboflavin transporter deficiency type 2; SPINOCEREBELLAR ATAXIA WITH BLINDNESS AND DEAFNESS 2. Identifiers: Orphanet 572543, Orphanet 97229, MedGen C3553538, MONDO:0013867, OMIM 614707.

Allele frequency attached by ClinVar (database versions not stated): TOPMed 0.00001; gnomAD exomes below 0.00001.

Submission:

Labcorp Genetics (formerly Invitae), Labcorp
Classification: Uncertain significance for Brown-Vialetto-van Laere syndrome 2. Last evaluated: 2021-08-24. Review status: criteria provided, single submitter. Criteria: Invitae Variant Classification Sherloc (09022015). Collection method: clinical testing. Allele origin: germline.
Comment: This sequence change replaces aspartic acid with glutamic acid at codon 265 of the SLC52A2 protein (p.Asp265Glu). The aspartic acid residue is moderately conserved and there is a small physicochemical difference between aspartic acid and glutamic acid. This variant is not present in population databases (ExAC no frequency). This variant has not been reported in the literature in individuals affected with SLC52A2-related conditions. Advanced modeling of protein sequence and biophysical properties (such as structural, functional, and spatial information, amino acid conservation, physicochemical variation, residue mobility, and thermodynamic stability) performed at Invitae indicates that this missense variant is not expected to disrupt SLC52A2 protein function. In summary, the available evidence is currently insufficient to determine the role of this variant in disease. Therefore, it has been classified as a Variant of Uncertain Significance.

NM_001363118.2(SLC52A2):c.795C>A (p.Asp265Glu)

Gene: SLC52A2 (solute carrier family 52 member 2; plus strand). Cytogenetic location: 8q24.3.
Variant type: single nucleotide variant.
Coding change: c.795C>A on transcript NM_001363118.2 (MANE Select); coding-DNA position 795, C replaced by A.
Protein change: p.Asp265Glu; replaces aspartic acid 265 with glutamic acid.
Molecular consequence: missense variant. On other transcripts: non-coding transcript variant (1).
Genome position (GRCh38, 1-based): chr8:144,360,287, C>A. VCF-style: chr8-144360287-C-A. GRCh37 (hg19) VCF-style: chr8-145583947-C-A.
Other names: c.303C>A, p.Asp101Glu (NM_001363122.2); c.795C>A, p.Asp265Glu (NM_024531.5, NM_001253815.2, NM_001253816.2 and 2 more transcripts); short protein forms D101E, D265E.
Identifiers: ClinVar variation 1022853 (VCV001022853.2), dbSNP rs1237300879, ClinGen allele CA372627939.